The following is an entry in ClinVar:

NM_000359.3(TGM1):c.1267C>A (p.Pro423Thr)

Gene: TGM1 (transglutaminase 1; minus strand). Cytogenetic location: 14q12.
Variant type: single nucleotide variant.
Coding change: c.1267C>A on transcript NM_000359.3 (MANE Select); coding-DNA position 1267, C replaced by A.
Protein change: p.Pro423Thr; replaces proline 423 with threonine.
Molecular consequence: missense variant.
Genome position (GRCh38, 1-based): chr14:24,258,566, G>T on the plus strand (C>A on the coding strand, the complement: TGM1 is on the minus strand). VCF-style: chr14-24258566-G-T. GRCh37 (hg19) VCF-style: chr14-24727772-G-T.
Other names: short protein forms P423T.
Identifiers: ClinVar variation 2501363 (VCV002501363.2), dbSNP rs763095024, ClinGen allele CA7131133.
Genomic context (GRCh38, chr14:24,258,566, plus strand): 5'-GCACAGATGGGCAGTCCACCCCAGCTCACCAGACAGAATCATGGTTCAGGTGCTCCAGGG[G>T]CTTCATGTTCTCGTCGAAGTAGATGTCCATGGTAAGGGATGTGTCTGTGTCGTGGGCGGA-3'
Protein context (NP_000350.1, residues 413-433): MDIYFDENMK[Pro423Thr]LEHLNHDSVW

ClinVar aggregate classification (germline): Uncertain significance. Review status: criteria provided, multiple submitters, no conflicts (2 of 4 stars). 2 submissions from 2 submitters: Uncertain significance (2). Last evaluated 2022-11-01.

Allele frequency attached by ClinVar (database versions not stated): gnomAD 0.00001; TOPMed 0.00001.

Submissions (2):

GeneDx
Classification: Uncertain significance. Last evaluated: 2022-11-01. Review status: criteria provided, single submitter. Criteria: GeneDx Variant Classification Process June 2021. Collection method: clinical testing. Allele origin: germline. Affected: yes.
Comment: In silico analysis supports that this missense variant has a deleterious effect on protein structure/function; Has not been previously published as pathogenic or benign to our knowledge

Blueprint Genetics
Classification: Uncertain significance. Last evaluated: 2019-08-14. Review status: criteria provided, single submitter. Criteria: ACMG Guidelines, 2015. Collection method: clinical testing. Allele origin: germline.